The following is an entry in ClinVar:

ClinVar aggregate classification (germline): Pathogenic. Review status: criteria provided, multiple submitters, no conflicts (2 of 4 stars). 7 submissions from 7 submitters: Pathogenic (7). Last evaluated 2025-01-24.

Conditions:
OFD1-related disorder. Also called: OFD1-related condition.
Simpson-Golabi-Behmel syndrome. Identifiers: Orphanet 373, MedGen C4317043, MONDO:0010731.
Joubert syndrome 10 (JBTS10). Identifiers: Orphanet 2754, MedGen C2749019, MONDO:0010431, OMIM 300804.
Simpson-Golabi-Behmel syndrome type 2. Identifiers: Orphanet 79022, MedGen C1846175, MONDO:0010265, OMIM 300209.
Retinitis pigmentosa 23 (RP23). Identifiers: Orphanet 791, MedGen C1419610, MONDO:0010320, OMIM 300424.
Orofaciodigital syndrome I (OFD1). Also called: Papillon-Leage and Psaume Syndrome; OFDS I; Oral-Facial-Digital Syndrome Type I. Identifiers: Orphanet 2750, MedGen C1510460, MONDO:0010702, OMIM 311200.

Submissions (7):

PreventionGenetics, part of Exact Sciences
Classification: Pathogenic for OFD1-related condition. Last evaluated: 2025-01-24. Review status: criteria provided, single submitter. Criteria: ACMG Guidelines, 2015. Collection method: clinical testing. Allele origin: germline.
Comment: The OFD1 c.710dupA variant is predicted to result in a frameshift and premature protein termination (p.Tyr238Valfs*2). This variant, also reported as 702insA in legacy nomenclature, has been reported in the heterozygous state in a multi-generational family with oral-facial-digital syndrome I (Feather et al. 1997. PubMed ID: 9215688; Romio et al. 2003. PubMed ID: 12595504). This variant has also been reported as a de novo finding in two individuals with phenotypes consistent with oral-facial-digital syndrome I (de Koning et al. 2021. PubMed ID: 34611884; Table S6, El Naofal et al. 2023. PubMed ID: 36703223). This variant is reported in 0.0071% of alleles in individuals of South Asian descent in gnomAD. To our knowledge, this variant has not been reported in gnomAD or the literature in the hemizygous state. Frameshift variants in OFD1 are expected to be pathogenic. This variant is interpreted as pathogenic.

Dubai Health Genomic Medicine Center, Dubai Health
Classification: Pathogenic for Simpson-Golabi-Behmel syndrome. Last evaluated: 2024-10-04. Review status: criteria provided, single submitter. Criteria: ACMG Guidelines, 2015. Collection method: research. Allele origin: germline. Affected: yes.
Comment: PVS1, PM2, PP4, PS2

3billion
Classification: Pathogenic for Orofaciodigital syndrome I. Last evaluated: 2023-02-23. Review status: criteria provided, single submitter. Criteria: ACMG Guidelines, 2015. Collection method: clinical testing. Allele origin: unknown. Affected: yes.
Comment: The variant is observed at an extremely low frequency in the gnomAD v2.1.1 dataset (total allele frequency: <0.001%). This variant was predicted to result in a loss or disruption of normal protein function through nonsense-mediated decay (NMD) or protein truncation. Multiple pathogenic variants are reported downstream of the variant. The variant has been reported at least twice as pathogenic without evidence for the classification (ClinVar ID: VCV000041143 / PMID: 12595504). The variant was detected at ~19% allele frequency and was identified as a potential mosaic variant. Therefore, this variant is classified as Pathogenic according to the recommendation of ACMG/AMP guideline.

Revvity Omics, Revvity
Classification: Pathogenic. Last evaluated: 2023-01-05. Review status: criteria provided, single submitter. Criteria: ACMG Guidelines, 2015. Collection method: clinical testing. Allele origin: germline.

GeneDx
Classification: Pathogenic. Last evaluated: 2022-10-18. Review status: criteria provided, single submitter. Criteria: GeneDx Variant Classification Process June 2021. Collection method: clinical testing. Allele origin: germline. Affected: yes.
Comment: Frameshift variant predicted to result in protein truncation or nonsense mediated decay in a gene for which loss-of-function is a known mechanism of disease; Also known as 702insA using alternate nomenclature; This variant is associated with the following publications: (PMID: 18546297, 19876934, 12595504)

Victorian Clinical Genetics Services, Murdoch Childrens Research Institute
Classification: Pathogenic for Orofaciodigital syndrome I. Last evaluated: 2022-02-02. Review status: criteria provided, single submitter. Criteria: ACMG Guidelines, 2015. Collection method: clinical testing. Allele origin: germline. Inheritance: X-linked dominant inheritance.
Comment: Based on the classification scheme VCGS_Germline_v1.3.4, this variant is classified as Pathogenic. Following criteria are met: 0102 - Loss of function is a known mechanism of disease in this gene and is associated with orofaciodigital syndrome I (MIM#311200). (I) 0110 - This gene is associated with X-linked disease. Most conditions associated with this gene are X-linked recessive, however orofaciodigital syndrome I (MIM#311200) is X-linked dominant. (I) 0201 - Variant is predicted to cause nonsense-mediated decay (NMD) and loss of protein (premature termination codon is located at least 54 nucleotides upstream of the final exon-exon junction). (SP) 0251 - This variant is heterozygous. (I) 0301 - Variant is absent from gnomAD (both v2 and v3). (SP) 0701 - Other NMD-predicted variants comparable to the one identified in this case have very strong previous evidence for pathogenicity. Many other variants predicted to result in a loss of function have previously been reported in individuals with orofaciodigital syndrome I (MIM#311200) (ClinVar, DECIPHER). (SP) 0801 - This variant has strong previous evidence of pathogenicity in unrelated individuals. The variant has previously been reported in multiple individuals with orofaciodigital syndrome I (MIM#311200), with both de novo and familial inheritance (HGMD, LOVD, PMID: 18546297). (SP) 1101 - Very strong and specific phenotype match for this individual. (SP) Legend: (SP) - Supporting pathogenic, (I) - Information, (SB) - Supporting benign

Fulgent Genetics
Classification: Pathogenic for Simpson-Golabi-Behmel syndrome type 2; Retinitis pigmentosa 23; Joubert syndrome 10; Orofaciodigital syndrome I. Last evaluated: 2021-12-22. Review status: criteria provided, single submitter. Criteria: ACMG Guidelines, 2015. Collection method: clinical testing. Allele origin: unknown.

Literature cited by the submitters: PubMed 12595504 (cited by 3billion); PubMed 18546297 (cited by Victorian Clinical Genetics Services, Murdoch Childrens Research Institute).

NM_003611.3(OFD1):c.710dup (p.Tyr238fs)

Gene: OFD1 (OFD1 centriole and centriolar satellite protein; plus strand). Cytogenetic location: Xp22.2.
Variant type: Duplication.
Coding change: c.710dup on transcript NM_003611.3 (MANE Select); coding-DNA position 710, one base duplicated (A; older notation c.710dupA).
Protein change: p.Tyr238fs; shifts the reading frame from tyrosine 238.
Molecular consequence: frameshift variant.
Genome position (GRCh38, 1-based): chrX:13,746,835, A duplicated; the last of 9 consecutive A bases (chrX:13,746,827-13,746,835); duplicating any one gives the same sequence. VCF-style (leftmost placement, unchanged base first): chrX-13746826-C-CA. GRCh37 (hg19) VCF-style: chrX-13764945-C-CA.
Other names: c.710dup (NM_003611.2); c.710dup, p.Tyr238fs (NM_001330209.2); c.290dup, p.Tyr98fs (NM_001330210.2); c.710dupA (NM_003611.3); short protein forms Y98fs, Y238fs.
Identifiers: ClinVar variation 41143 (VCV000041143.18), dbSNP rs312262845, ClinGen allele CA344037.